The following is an entry in ClinVar:

ClinVar aggregate classification (germline): Uncertain significance (1 of 4 stars; one submission).

Allele frequency attached by ClinVar (database versions not stated): gnomAD exomes 0.00001.

Submission:

Labcorp Genetics (formerly Invitae), Labcorp
Classification: Uncertain significance. Last evaluated: 2021-04-08. Review status: criteria provided, single submitter. Criteria: Invitae Variant Classification Sherloc (09022015). Collection method: clinical testing. Allele origin: germline.
Comment: In summary, the available evidence is currently insufficient to determine the role of this variant in disease. Therefore, it has been classified as a Variant of Uncertain Significance. Algorithms developed to predict the effect of missense changes on protein structure and function (SIFT, PolyPhen-2, Align-GVGD) all suggest that this variant is likely to be tolerated, but these predictions have not been confirmed by published functional studies and their clinical significance is uncertain. This variant has not been reported in the literature in individuals with MCM3AP-related conditions. This variant is not present in population databases (ExAC no frequency). This sequence change replaces alanine with threonine at codon 1840 of the MCM3AP protein (p.Ala1840Thr). The alanine residue is weakly conserved and there is a small physicochemical difference between alanine and threonine.

NM_003906.5(MCM3AP):c.5518G>A (p.Ala1840Thr)

Genes: MCM3AP (minichromosome maintenance complex component 3 associated protein; minus strand), MCM3AP-AS1 (MCM3AP antisense RNA 1; plus strand). Cytogenetic location: 21q22.3.
Variant type: single nucleotide variant.
Coding change: c.5518G>A on transcript NM_003906.5 (MANE Select); coding-DNA position 5518, G replaced by A.
Protein change: p.Ala1840Thr; replaces alanine 1840 with threonine.
Molecular consequence: missense variant. On other transcripts: non-coding transcript variant (4).
Genome position (GRCh38, 1-based): chr21:46,240,926, C>T on the plus strand (G>A on the coding strand, the complement: MCM3AP is on the minus strand). VCF-style: chr21-46240926-C-T. GRCh37 (hg19) VCF-style: chr21-47660840-C-T.
Other names: short protein forms A1840T.
Identifiers: ClinVar variation 1385762 (VCV001385762.8), dbSNP rs1248095399, ClinGen allele CA410536898.